The following is an entry in ClinVar:

ClinVar aggregate classification (germline): Pathogenic. Review status: criteria provided, single submitter (1 of 4 stars). 2 submissions from 1 submitter: Pathogenic (1). 1 of the submissions does not count toward it. Last evaluated 2024-03-23.

Conditions:
Nemaline myopathy 2 (NEM2). Also called: Nemaline myopathy 2, autosomal recessive. Identifiers: MedGen C1850569, MONDO:0009725, OMIM 256030.

Submissions (2):

Genomic Medicine Center of Excellence, King Faisal Specialist Hospital and Research Centre
Classification: Pathogenic for Nemaline myopathy 2. Last evaluated: 2024-03-23. Review status: criteria provided, single submitter. Criteria: ACMG Guidelines, 2015. Collection method: clinical testing. Allele origin: germline.

Genomic Medicine Center of Excellence, King Faisal Specialist Hospital and Research Centre
Classification: Pathogenic for Nemaline myopathy 2. Last evaluated: 2021-04-29. Review status: flagged submission. Collection method: research. Allele origin: germline. Affected: no. Not counted in ClinVar's aggregate classification.
ClinVar note: Reason: This record appears to be redundant with a more recent record from the same submitter.
ClinVar note: Notes: SCV001870506 appears to be redundant with SCV004807893.

NM_001164508.2(NEB):c.16909-1G>A

Gene: NEB (nebulin; minus strand). Cytogenetic location: 2q23.3.
Variant type: single nucleotide variant.
Coding change: c.16909-1G>A on transcript NM_001164508.2 (MANE Select); the canonical splice acceptor site of the intron before coding-DNA position 16909, G replaced by A.
Molecular consequence: splice acceptor variant.
Genome position (GRCh38, 1-based): chr2:151,575,800, C>T on the plus strand (G>A on the coding strand, the complement: NEB is on the minus strand). VCF-style: chr2-151575800-C-T. GRCh37 (hg19) VCF-style: chr2-152432314-C-T.
Other names: c.11806-1G>A (NM_004543.5); c.16909-1G>A (NM_001164507.2, NM_001271208.2).
Identifiers: ClinVar variation 1252068 (VCV001252068.2), dbSNP rs2153806528, ClinGen allele CA348809681.